The following is an entry in ClinVar:

ClinVar aggregate classification (germline): Uncertain significance (1 of 4 stars; one submission).

Conditions:
Aicardi-Goutieres syndrome 5. Identifiers: Orphanet 51, MedGen C2749659, MONDO:0013059, OMIM 612952.

Allele frequency attached by ClinVar (database versions not stated): gnomAD exomes below 0.00001 and 0.00001; ExAC 0.00001.

Submission:

Labcorp Genetics (formerly Invitae), Labcorp
Classification: Uncertain significance for Aicardi-Goutieres syndrome 5. Last evaluated: 2021-08-27. Review status: criteria provided, single submitter. Criteria: Invitae Variant Classification Sherloc (09022015). Collection method: clinical testing. Allele origin: germline.
Comment: This sequence change replaces threonine with alanine at codon 533 of the SAMHD1 protein (p.Thr533Ala). The threonine residue is weakly conserved and there is a small physicochemical difference between threonine and alanine. This variant is present in population databases (rs770504610, ExAC 0.006%). This variant has not been reported in the literature in individuals affected with SAMHD1-related conditions. Algorithms developed to predict the effect of missense changes on protein structure and function output the following: SIFT: "Tolerated"; PolyPhen-2: "Benign"; Align-GVGD: "Class C0". The alanine amino acid residue is found in multiple mammalian species, which suggests that this missense change does not adversely affect protein function. In summary, the available evidence is currently insufficient to determine the role of this variant in disease. Therefore, it has been classified as a Variant of Uncertain Significance.

NM_015474.4(SAMHD1):c.1597A>G (p.Thr533Ala)

Gene: SAMHD1 (SAM and HD domain containing deoxynucleoside triphosphate triphosphohydrolase 1; minus strand). Cytogenetic location: 20q11.23.
Variant type: single nucleotide variant.
Coding change: c.1597A>G on transcript NM_015474.4 (MANE Select); coding-DNA position 1597, A replaced by G.
Protein change: p.Thr533Ala; replaces threonine 533 with alanine.
Molecular consequence: missense variant. On other transcripts: intron variant (1).
Genome position (GRCh38, 1-based): chr20:36,898,451, T>C on the plus strand (A>G on the coding strand, the complement: SAMHD1 is on the minus strand). VCF-style: chr20-36898451-T-C. GRCh37 (hg19) VCF-style: chr20-35526854-T-C.
Other names: c.1597A>G, p.Thr533Ala (NM_001363733.2); c.1504-492A>G (NM_001363729.2); short protein forms T533A.
Identifiers: ClinVar variation 1489439 (VCV001489439.5), dbSNP rs770504610, ClinGen allele CA9844462.